The following is an entry in ClinVar:

NM_182914.3(SYNE2):c.7223A>T (p.Asp2408Val)

Gene: SYNE2 (spectrin repeat containing nuclear envelope protein 2; plus strand). Cytogenetic location: 14q23.2.
Variant type: single nucleotide variant.
Coding change: c.7223A>T on transcript NM_182914.3 (MANE Select); coding-DNA position 7223, A replaced by T.
Protein change: p.Asp2408Val; replaces aspartic acid 2408 with valine.
Molecular consequence: missense variant.
Genome position (GRCh38, 1-based): chr14:64,048,001, A>T. VCF-style: chr14-64048001-A-T. GRCh37 (hg19) VCF-style: chr14-64514719-A-T.
Other names: c.7223A>T, p.Asp2408Val (NM_015180.6); short protein forms D2408V.
Identifiers: ClinVar variation 643360 (VCV000643360.9), dbSNP rs550374867, ClinGen allele CA7220887.
Genomic context (GRCh38, chr14:64,048,001, plus strand): 5'-TAAAAAGGATTTATTTGGAAAGTAGACTATTCAGCAATTAATCTTTTTATGTATTTCAGG[A>T]TTCAGCTGTGGAAATGGCTATGTCAAAACAACTTTCTCTTAATGCTCAAGAAAGCATGAA-3'
Protein context (NP_878918.2, residues 2398-2418): KLEEDWEINK[Asp2408Val]SAVEMAMSKQ

ClinVar aggregate classification (germline): Uncertain significance (1 of 4 stars; one submission).

Conditions:
Emery-Dreifuss muscular dystrophy 5, autosomal dominant (EDMD5). Also called: EMERY-DREIFUSS MUSCULAR DYSTROPHY 5. Identifiers: Orphanet 261, MedGen C2751805, MONDO:0013072, OMIM 612999.

Allele frequency attached by ClinVar (database versions not stated): gnomAD 0.00001; gnomAD exomes 0.00003 and 0.00005; ExAC 0.00004; 1000 Genomes Project 30x 0.00016; 1000 Genomes Project 0.00020.
gnomAD v4.1: 46 of 1,613,684 alleles (0.0029%); highest among the groups gnomAD compares: South Asian, 0.047%; no homozygotes.

Submission:

Labcorp Genetics (formerly Invitae), Labcorp
Classification: Uncertain significance for Emery-Dreifuss muscular dystrophy 5, autosomal dominant. Last evaluated: 2022-08-10. Review status: criteria provided, single submitter. Criteria: Invitae Variant Classification Sherloc (09022015). Collection method: clinical testing. Allele origin: germline.
Comment: In summary, the available evidence is currently insufficient to determine the role of this variant in disease. Therefore, it has been classified as a Variant of Uncertain Significance. Algorithms developed to predict the effect of missense changes on protein structure and function (SIFT, PolyPhen-2, Align-GVGD) all suggest that this variant is likely to be tolerated. ClinVar contains an entry for this variant (Variation ID: 643360). This variant has not been reported in the literature in individuals affected with SYNE2-related conditions. This variant is present in population databases (rs550374867, gnomAD 0.05%), and has an allele count higher than expected for a pathogenic variant. This sequence change replaces aspartic acid, which is acidic and polar, with valine, which is neutral and non-polar, at codon 2408 of the SYNE2 protein (p.Asp2408Val).